The following is an entry in ClinVar:

ClinVar aggregate classification (germline): Likely pathogenic. Review status: criteria provided, multiple submitters, no conflicts (2 of 4 stars). 2 submissions from 2 submitters: Likely pathogenic (2). Last evaluated 2026-02-23.

Conditions:
Cockayne spectrum with or without cerebrooculofacioskeletal syndrome. Identifiers: MedGen CN315928, MONDO:0100506.

gnomAD v4.1: 1 of 1,613,862 alleles (0.000062%); highest among the groups gnomAD compares: Non-Finnish European, 0.000085%; no homozygotes.

Submissions (2):

Myriad Genetics, Inc.
Classification: Likely pathogenic for Cockayne spectrum with or without cerebrooculofacioskeletal syndrome. Last evaluated: 2026-02-23. Review status: criteria provided, single submitter. Criteria: Myriad Autosomal Dominant, Autosomal Recessive and X-Linked Classification Criteria (2023). Collection method: clinical testing. Allele origin: unknown.
Comment: NM_000124.2(ERCC6):c.3070+1G>A is a variant in a canonical splice site classified as likely pathogenic in the context of ERCC6-related disorders. c.3070+1G>A has not been observed in cases with relevant disease. Relevant functional assessments of this variant are not available in the literature. c.3070+1G>A has not been observed in referenced population frequency databases. In summary, NM_000124.2(ERCC6):c.3070+1G>A is a variant in a canonical splice site in a gene where loss of function is a known mechanism of disease and is predicted to disrupt protein function. Please note: this variant was assessed in the context of healthy population screening.

Labcorp Genetics (formerly Invitae), Labcorp
Classification: Likely pathogenic. Last evaluated: 2024-02-22. Review status: criteria provided, single submitter. Criteria: Invitae Variant Classification Sherloc (09022015). Collection method: clinical testing. Allele origin: germline.
Comment: This sequence change affects a donor splice site in intron 17 of the ERCC6 gene. It is expected to disrupt RNA splicing. Variants that disrupt the donor or acceptor splice site typically lead to a loss of protein function (PMID: 16199547), and loss-of-function variants in ERCC6 are known to be pathogenic (PMID: 18628313, 29572252). This variant is not present in population databases (gnomAD no frequency). This variant has not been reported in the literature in individuals affected with ERCC6-related conditions. ClinVar contains an entry for this variant (Variation ID: 1493376). Algorithms developed to predict the effect of sequence changes on RNA splicing suggest that this variant may disrupt the consensus splice site. In summary, the currently available evidence indicates that the variant is pathogenic, but additional data are needed to prove that conclusively. Therefore, this variant has been classified as Likely Pathogenic.

Literature cited by the submitters: PubMed 16199547 (cited by Labcorp Genetics (formerly Invitae), Labcorp); PubMed 18628313 (cited by Labcorp Genetics (formerly Invitae), Labcorp); PubMed 29572252 (cited by Labcorp Genetics (formerly Invitae), Labcorp).

NM_000124.4(ERCC6):c.3070+1G>A

Gene: ERCC6 (ERCC excision repair 6, chromatin remodeling factor; minus strand). Cytogenetic location: 10q11.23.
Variant type: single nucleotide variant.
Coding change: c.3070+1G>A on transcript NM_000124.4 (MANE Select); the canonical splice donor site of the intron after coding-DNA position 3070, G replaced by A.
Molecular consequence: splice donor variant.
Genome position (GRCh38, 1-based): chr10:49,470,974, C>T on the plus strand (G>A on the coding strand, the complement: ERCC6 is on the minus strand). VCF-style: chr10-49470974-C-T. GRCh37 (hg19) VCF-style: chr10-50679020-C-T.
Other names: c.3070+1G>A (NM_001346440.2).
Identifiers: ClinVar variation 1493376 (VCV001493376.7), dbSNP rs748423645, ClinGen allele CA376717269.